The following is an entry in ClinVar:

ClinVar aggregate classification (germline): Uncertain significance (1 of 4 stars; one submission).

Conditions:
RASopathy. Also called: Noonan spectrum disorder; rasopathies. Identifiers: Orphanet 536391, MedGen C5555857, MONDO:0021060.

Submission:

Labcorp Genetics (formerly Invitae), Labcorp
Classification: Uncertain significance for RASopathy. Last evaluated: 2023-07-06. Review status: criteria provided, single submitter. Criteria: Invitae Variant Classification Sherloc (09022015). Collection method: clinical testing. Allele origin: germline.
Comment: In summary, the available evidence is currently insufficient to determine the role of this variant in disease. Therefore, it has been classified as a Variant of Uncertain Significance. Algorithms developed to predict the effect of sequence changes on RNA splicing suggest that this variant may create or strengthen a splice site. An algorithm developed to predict the effect of missense changes on protein structure and function (PolyPhen-2) suggests that this variant is likely to be disruptive. This variant has not been reported in the literature in individuals affected with MAP2K1-related conditions. This variant is not present in population databases (gnomAD no frequency). This sequence change replaces serine, which is neutral and polar, with tryptophan, which is neutral and slightly polar, at codon 231 of the MAP2K1 protein (p.Ser231Trp).

NM_002755.4(MAP2K1):c.692C>G (p.Ser231Trp)

Gene: MAP2K1 (mitogen-activated protein kinase kinase 1; plus strand). Cytogenetic location: 15q22.31.
Variant type: single nucleotide variant.
Coding change: c.692C>G on transcript NM_002755.4 (MANE Select); coding-DNA position 692, C replaced by G.
Protein change: p.Ser231Trp; replaces serine 231 with tryptophan.
Molecular consequence: missense variant.
Genome position (GRCh38, 1-based): chr15:66,481,878, C>G. VCF-style: chr15-66481878-C-G. GRCh37 (hg19) VCF-style: chr15-66774216-C-G.
Other names: c.548C>G, p.Ser183Trp (NM_001411065.1); short protein forms S231W, S183W.
Identifiers: ClinVar variation 2846662 (VCV002846662.3), dbSNP rs1473690179, ClinGen allele CA392936569.